The following is an entry in ClinVar:

ClinVar aggregate classification (germline): Pathogenic (1 of 4 stars; one submission).

Conditions:
Long QT syndrome (LQTS). Identifiers: MedGen C0023976, MeSH D008133, MONDO:0002442. Disease mechanism: loss of function. Inheritance: Various modes of inheritance.

Submission:

Labcorp Genetics (formerly Invitae), Labcorp
Classification: Pathogenic for Long QT syndrome. Last evaluated: 2018-08-29. Review status: criteria provided, single submitter. Criteria: Invitae Variant Classification Sherloc (09022015). Collection method: clinical testing. Allele origin: germline.
Comment: This sequence change represents a complex rearrangement event leading to the heterozygous deletion of a portion of intron 2 and part of exon 3, while the remainder of exon 3 till the 3â€šÃ„Ã´UTR appears to be present but inverted with respect to the reference sequence. This is expected to result in an absent or disrupted protein product. While this particular variant has not been reported in the literature, loss-of-function variants in KCNH2 are known to be pathogenic (PMID:Â¬â€ 19862833, 10973849). For these reasons, this variant has been classified as Pathogenic.

NC_000007.14:g.(?_150959552)_(150959756_?)del

Gene: KCNH2 (potassium voltage-gated channel subfamily H member 2; minus strand). Cytogenetic location: 7q36.1.
Variant type: Deletion.
Identifiers: ClinVar variation 584221 (VCV000584221.2).